The following is an entry in ClinVar:

ClinVar aggregate classification (germline): Likely pathogenic (1 of 4 stars; one submission).

Conditions:
Desmin-related myofibrillar myopathy (MFM1). Also called: Desminopathy; Desmin related myopathy (former name); Desmin storage myopathy (former name); MYOFIBRILLAR MYOPATHY WITH ARRHYTHMOGENIC RIGHT VENTRICULAR CARDIOMYOPATHY; DESMIN-RELATED MYOPATHY WITH ARRHYTHMOGENIC RIGHT VENTRICULAR CARDIOMYOPATHY; Myofibrillar myopathy 1. Identifiers: Orphanet 363543, Orphanet 98909, MedGen C1832370, MONDO:0011076, OMIM 601419.

Submission:

Muscle and Diseases Team, Institut de Génétique et Biologie Moléculaire et Cellulaire
Classification: Likely pathogenic for Desmin-related myofibrillar myopathy. Last evaluated: 2024-03-01. Review status: criteria provided, single submitter. Criteria: ACMG Guidelines, 2015. Collection method: research. Allele origin: germline. Affected: yes. Observed: 1 variant allele.
Comment: PM1+PM2+PP2+PP3

Literature cited by the submitters: DOI 10.1186/s13073-024-01353-0.

NM_001927.4(DES):c.949G>C (p.Ala317Pro)

Gene: DES (desmin; plus strand). Cytogenetic location: 2q35.
Variant type: single nucleotide variant.
Coding change: c.949G>C on transcript NM_001927.4 (MANE Select); coding-DNA position 949, G replaced by C.
Protein change: p.Ala317Pro; replaces alanine 317 with proline.
Molecular consequence: missense variant. On other transcripts: intron variant (1).
Genome position (GRCh38, 1-based): chr2:219,420,879, G>C. VCF-style: chr2-219420879-G-C. GRCh37 (hg19) VCF-style: chr2-220285601-G-C.
Other names: c.946G>C, p.Ala316Pro (NM_001382708.1); c.949G>C, p.Ala317Pro (NM_001382710.1, NM_001382711.1, NM_001382712.1); c.679G>C, p.Ala227Pro (NM_001382713.1); c.735+533G>C (NM_001382709.1); short protein forms A227P, A316P, A317P.
Identifiers: ClinVar variation 3233254 (VCV003233254.2), dbSNP rs2545253097.